The following is an entry in ClinVar:

ClinVar aggregate classification (germline): Uncertain significance (1 of 4 stars; one submission).

Conditions:
Usher syndrome type 3B. Also called: USHER SYNDROME, TYPE IIIB. Identifiers: MedGen C3281066, MONDO:0013788, OMIM 614504.

Allele frequency attached by ClinVar (database versions not stated): gnomAD exomes below 0.00001.
gnomAD v4.1: 6 of 1,614,248 alleles (0.00037%); highest among the groups gnomAD compares: East Asian, 0.011%; no homozygotes.

Submission:

Labcorp Genetics (formerly Invitae), Labcorp
Classification: Uncertain significance for Usher syndrome type 3B. Last evaluated: 2022-04-22. Review status: criteria provided, single submitter. Criteria: Invitae Variant Classification Sherloc (09022015). Collection method: clinical testing. Allele origin: germline.
Comment: In summary, the available evidence is currently insufficient to determine the role of this variant in disease. Therefore, it has been classified as a Variant of Uncertain Significance. Algorithms developed to predict the effect of missense changes on protein structure and function are either unavailable or do not agree on the potential impact of this missense change (SIFT: "Deleterious"; PolyPhen-2: "Benign"; Align-GVGD: "Class C0"). This variant has not been reported in the literature in individuals affected with HARS-related conditions. This variant is not present in population databases (gnomAD no frequency). This sequence change replaces glycine, which is neutral and non-polar, with arginine, which is basic and polar, at codon 365 of the HARS protein (p.Gly365Arg).

NM_002109.6(HARS1):c.1093G>A (p.Gly365Arg)

Gene: HARS1 (histidyl-tRNA synthetase 1; minus strand). Cytogenetic location: 5q31.3.
Variant type: single nucleotide variant.
Coding change: c.1093G>A on transcript NM_002109.6 (MANE Select); coding-DNA position 1093, G replaced by A.
Protein change: p.Gly365Arg; replaces glycine 365 with arginine.
Molecular consequence: missense variant.
Genome position (GRCh38, 1-based): chr5:140,676,755, C>T on the plus strand (G>A on the coding strand, the complement: HARS1 is on the minus strand). VCF-style: chr5-140676755-C-T. GRCh37 (hg19) VCF-style: chr5-140056340-C-T.
Other names: c.973G>A, p.Gly325Arg (NM_001258040.3); c.1033G>A, p.Gly345Arg (NM_001258041.3); c.913G>A, p.Gly305Arg (NM_001258042.3); c.871G>A, p.Gly291Arg (NM_001289092.2); c.751G>A, p.Gly251Arg (NM_001289093.2); c.1006G>A, p.Gly336Arg (NM_001289094.2); short protein forms G325R, G345R, G365R, G251R, G291R, G305R, G336R.
Identifiers: ClinVar variation 2061704 (VCV002061704.4), dbSNP rs1758389887, ClinGen allele CA361251215.